The following is an entry in ClinVar:

NM_002439.5(MSH3):c.1489A>G (p.Lys497Glu)

Gene: MSH3 (mutS homolog 3; plus strand). Cytogenetic location: 5q14.1.
Variant type: single nucleotide variant.
Coding change: c.1489A>G on transcript NM_002439.5 (MANE Select); coding-DNA position 1489, A replaced by G.
Protein change: p.Lys497Glu; replaces lysine 497 with glutamic acid.
Molecular consequence: missense variant.
Genome position (GRCh38, 1-based): chr5:80,728,886, A>G. VCF-style: chr5-80728886-A-G. GRCh37 (hg19) VCF-style: chr5-80024705-A-G.
Other names: c.1489A>G (NM_002439.4, NM_002439.3); short protein forms K497E.
Identifiers: ClinVar variation 1042959 (VCV001042959.11), dbSNP rs777360391, ClinGen allele CA3327939.

ClinVar aggregate classification (germline): Uncertain significance. Review status: criteria provided, multiple submitters, no conflicts (2 of 4 stars). 4 submissions from 4 submitters: Uncertain significance (4). Last evaluated 2025-08-22.

Conditions:
Hereditary cancer-predisposing syndrome. Also called: Hereditary Cancer Syndrome; Tumor predisposition; Hereditary neoplastic syndrome; Neoplastic Syndromes, Hereditary. Identifiers: Orphanet 140162, MedGen C0027672, MeSH D009386, MONDO:0015356.
Endometrial carcinoma. Also called: Endometrial carcinoma, somatic. Identifiers: MedGen C0476089, MONDO:0002447, OMIM 608089, HP:0012114.

Allele frequency attached by ClinVar (database versions not stated): gnomAD exomes below 0.00001; ExAC 0.00001.
gnomAD v4.1: 2 of 1,610,722 alleles (0.00012%); highest among the groups gnomAD compares: Non-Finnish European, 0.00017%; no homozygotes.

Submissions (4):

Ambry Genetics
Classification: Uncertain significance for Hereditary cancer-predisposing syndrome. Last evaluated: 2025-08-22. Review status: criteria provided, single submitter. Criteria: Ambry Variant Classification Scheme 2023. Collection method: clinical testing. Allele origin: germline.
Comment: The p.K497E variant (also known as c.1489A>G), located in coding exon 10 of the MSH3 gene, results from an A to G substitution at nucleotide position 1489. The lysine at codon 497 is replaced by glutamic acid, an amino acid with similar properties. This amino acid position is highly conserved in available vertebrate species. In addition, the in silico prediction for this alteration is inconclusive. Since supporting evidence is limited at this time, the clinical significance of this alteration remains unclear.

Quest Diagnostics Nichols Institute San Juan Capistrano
Classification: Uncertain significance. Last evaluated: 2024-08-16. Review status: criteria provided, single submitter. Criteria: Quest Diagnostics criteria. Collection method: clinical testing. Allele origin: unknown.
Comment: The MSH3 c.1489A>G (p.Lys497Glu) variant has not been reported in individuals with MSH3-related conditions in the published literature. The frequency of this variant in the general population, 0.0000088 (1/113620 chromosomes (Genome Aggregation Database)), is uninformative in the assessment of its pathogenicity. Analysis of this variant using bioinformatics tools for the prediction of the effect of amino acid changes on protein structure and function yielded conflicting predictions that this variant is benign or damaging. Based on the available information, we are unable to determine the clinical significance of this variant.

Baylor Genetics
Classification: Uncertain significance for Endometrial carcinoma. Last evaluated: 2024-03-25. Review status: criteria provided, single submitter. Criteria: ACMG Guidelines, 2015. Collection method: clinical testing. Allele origin: unknown.

Labcorp Genetics (formerly Invitae), Labcorp
Classification: Uncertain significance. Last evaluated: 2024-03-06. Review status: criteria provided, single submitter. Criteria: Invitae Variant Classification Sherloc (09022015). Collection method: clinical testing. Allele origin: germline.
Comment: This sequence change replaces lysine, which is basic and polar, with glutamic acid, which is acidic and polar, at codon 497 of the MSH3 protein (p.Lys497Glu). This variant is present in population databases (rs777360391, gnomAD 0.0009%). This variant has not been reported in the literature in individuals affected with MSH3-related conditions. ClinVar contains an entry for this variant (Variation ID: 1042959). An algorithm developed to predict the effect of missense changes on protein structure and function (PolyPhen-2) suggests that this variant is likely to be disruptive. In summary, the available evidence is currently insufficient to determine the role of this variant in disease. Therefore, it has been classified as a Variant of Uncertain Significance.